The following is an entry in ClinVar:

ClinVar aggregate classification (germline): Conflicting classifications of pathogenicity. Review status: criteria provided, conflicting classifications (1 of 4 stars). 4 submissions from 4 submitters: Uncertain significance (1); Likely benign (1). 2 of the submissions do not count toward it. Last evaluated 2025-06-11.

Conditions:
TTN-related disorder. Also called: TTN-related disorders; TTN-related condition; TTN-related disease.

Allele frequency attached by ClinVar (database versions not stated): gnomAD exomes 0.00002; gnomAD 0.00003 and 0.00004; TOPMed 0.00004.
gnomAD v4.1: 30 of 1,603,280 alleles (0.0019%); highest among the groups gnomAD compares: Middle Eastern, 0.016%; no homozygotes.

Submissions (4):

PreventionGenetics, part of Exact Sciences
Classification: Uncertain significance for TTN-related condition. Last evaluated: 2025-06-11. Review status: criteria provided, single submitter. Criteria: ACMG Guidelines, 2015. Collection method: clinical testing. Allele origin: germline.
Comment: The TTN c.32482C>T variant is predicted to result in the amino acid substitution p.Pro10828Ser. This variant has been reported as uncertain in an individual with hypertrophic cardiomyopathy (reported as p.Pro9584Ser from transcript NM_133378 in Online Supplementary File 2, van Lint. 2019. PubMed ID: 30847666). This variant is reported in 0.0088% of alleles in individuals of Latino descent in gnomAD. At this time, the clinical significance of this variant is uncertain due to the absence of conclusive functional and genetic evidence.

GeneDx
Classification: Likely benign. Last evaluated: 2020-02-03. Review status: criteria provided, single submitter. Criteria: GeneDx Variant Classification Process June 2021. Collection method: clinical testing. Allele origin: germline. Affected: yes.
Comment: This variant is associated with the following publications: (PMID: 30847666)

Clinical Genetics, Academic Medical Center
Classification: Uncertain significance. Review status: no assertion criteria provided. Collection method: clinical testing. Allele origin: germline. Affected: yes. Study: VKGL Data-share Consensus. Not counted in ClinVar's aggregate classification.

Laboratory of Diagnostic Genome Analysis, Leiden University Medical Center (LUMC)
Classification: Uncertain significance. Review status: no assertion criteria provided. Collection method: clinical testing. Allele origin: germline. Affected: yes. Study: VKGL Data-share Consensus. Not counted in ClinVar's aggregate classification.

NM_001267550.2(TTN):c.32482C>T (p.Pro10828Ser)

Gene: TTN (titin; minus strand). Cytogenetic location: 2q31.2.
Variant type: single nucleotide variant.
Coding change: c.32482C>T on transcript NM_001267550.2 (MANE Select); coding-DNA position 32482, C replaced by T.
Protein change: p.Pro10828Ser; replaces proline 10828 with serine.
Molecular consequence: missense variant. On other transcripts: intron variant (3).
Genome position (GRCh38, 1-based): chr2:178,684,978, G>A on the plus strand (C>T on the coding strand, the complement: TTN is on the minus strand). VCF-style: chr2-178684978-G-A. GRCh37 (hg19) VCF-style: chr2-179549705-G-A.
Other names: c.31531C>T, p.Pro10511Ser (NM_001256850.1); c.28750C>T, p.Pro9584Ser (NM_133378.4); c.13283-42661C>T (NM_003319.4); c.13859-42661C>T (NM_133437.4); c.13658-42661C>T (NM_133432.3); short protein forms P10511S, P10828S, P9584S.
Identifiers: ClinVar variation 1198888 (VCV001198888.5), dbSNP rs746685110, ClinGen allele CA1998627.